The following is an entry in ClinVar:

NM_004415.4(DSP):c.2917G>T (p.Glu973Ter)

Gene: DSP (desmoplakin; plus strand). Cytogenetic location: 6p24.3.
Variant type: single nucleotide variant.
Coding change: c.2917G>T on transcript NM_004415.4 (MANE Select); coding-DNA position 2917, G replaced by T.
Protein change: p.Glu973Ter; replaces glutamic acid 973 with a stop codon.
Molecular consequence: nonsense.
Genome position (GRCh38, 1-based): chr6:7,577,818, G>T. VCF-style: chr6-7577818-G-T. GRCh37 (hg19) VCF-style: chr6-7578051-G-T.
Other names: c.2917G>T, p.Glu973Ter (NM_001008844.3, NM_001319034.2); short protein forms E973*.
Identifiers: ClinVar variation 2033289 (VCV002033289.4), dbSNP rs2533917192, ClinGen allele CA362682436.
Genomic context (GRCh38, chr6:7,577,818, plus strand): 5'-TTAAACTTCATTATGCTGCAGGATTATGAGCTCCAGCTGGCCTCATACACCTCAGGACTG[G>T]AAACTCTGCTGAACATACCTATCAAGAGGACCATGATTCAGTCCCCTTCTGGGGTGATTC-3'

ClinVar aggregate classification (germline): Pathogenic (1 of 4 stars; one submission).

Conditions:
Arrhythmogenic right ventricular dysplasia 8 (ARVD8). Also called: ARRHYTHMOGENIC RIGHT VENTRICULAR CARDIOMYOPATHY 8; Arrhythmogenic Right Ventricular Dysplasia/Cardiomyopathy 8; ARRHYTHMOGENIC RIGHT VENTRICULAR DYSPLASIA, FAMILIAL, 8. Identifiers: MedGen C1843896, MONDO:0011831, OMIM 607450.
Arrhythmogenic cardiomyopathy with wooly hair and keratoderma. Also called: Arrhythmogenic cardiomyopathy with woolly hair and keratoderma; PALMOPLANTAR KERATODERMA WITH LEFT VENTRICULAR CARDIOMYOPATHY AND WOOLLY HAIR; Carvajal syndrome; Dilated cardiomyopathy with woolly hair and keratoderma. Identifiers: Orphanet 65282, MedGen C1854063, MONDO:0011581, OMIM 605676.

Submission:

Labcorp Genetics (formerly Invitae), Labcorp
Classification: Pathogenic for Arrhythmogenic cardiomyopathy with wooly hair and keratoderma; Arrhythmogenic right ventricular dysplasia 8. Last evaluated: 2022-09-29. Review status: criteria provided, single submitter. Criteria: Invitae Variant Classification Sherloc (09022015). Collection method: clinical testing. Allele origin: germline.
Comment: For these reasons, this variant has been classified as Pathogenic. This variant has not been reported in the literature in individuals affected with DSP-related conditions. This variant is not present in population databases (gnomAD no frequency). This sequence change creates a premature translational stop signal (p.Glu973*) in the DSP gene. It is expected to result in an absent or disrupted protein product. Loss-of-function variants in DSP are known to be pathogenic (PMID: 20716751, 24503780, 25227139).

Literature cited by the submitters: PubMed 20716751; PubMed 24503780; PubMed 25227139.